The following is an entry in ClinVar:

ClinVar aggregate classification (germline): Uncertain significance. Review status: criteria provided, multiple submitters, no conflicts (2 of 4 stars). 3 submissions from 3 submitters: Uncertain significance (3). Last evaluated 2025-07-31.

Conditions:
Hereditary nonpolyposis colorectal neoplasms. Identifiers: MedGen C0009405, MeSH D003123.
Hereditary cancer-predisposing syndrome. Also called: Neoplastic Syndromes, Hereditary; Tumor predisposition; Hereditary Cancer Syndrome; Hereditary neoplastic syndrome. Identifiers: Orphanet 140162, MedGen C0027672, MeSH D009386, MONDO:0015356.

Allele frequency attached by ClinVar (database versions not stated): gnomAD exomes below 0.00001.
gnomAD v4.1: 1 of 1,614,132 alleles (0.000062%); highest among the groups gnomAD compares: Non-Finnish European, 0.000085%; no homozygotes.

Submissions (3):

Color Diagnostics, LLC DBA Color Health
Classification: Uncertain significance for Hereditary cancer-predisposing syndrome. Last evaluated: 2025-07-31. Review status: criteria provided, single submitter. Criteria: ACMG Guidelines, 2015. Collection method: clinical testing. Allele origin: germline.
Comment: This missense variant replaces aspartic acid with asparagine at codon 936 of the MSH6 protein. Computational prediction is inconclusive regarding the impact of this variant on protein structure and function. To our knowledge, functional studies have not been reported for this variant. This variant has not been reported in individuals affected with MSH6-related disorders in the literature. This variant has not been identified in the general population by the Genome Aggregation Database (gnomAD). The available evidence is insufficient to determine the role of this variant in disease conclusively. Therefore, this variant is classified as a Variant of Uncertain Significance.

Labcorp Genetics (formerly Invitae), Labcorp
Classification: Uncertain significance for Hereditary nonpolyposis colorectal neoplasms. Last evaluated: 2023-07-03. Review status: criteria provided, single submitter. Criteria: Invitae Variant Classification Sherloc (09022015). Collection method: clinical testing. Allele origin: germline.
Comment: ClinVar contains an entry for this variant (Variation ID: 232656). In summary, the available evidence is currently insufficient to determine the role of this variant in disease. Therefore, it has been classified as a Variant of Uncertain Significance. Advanced modeling of protein sequence and biophysical properties (such as structural, functional, and spatial information, amino acid conservation, physicochemical variation, residue mobility, and thermodynamic stability) performed at Invitae indicates that this missense variant is not expected to disrupt MSH6 protein function. This variant has not been reported in the literature in individuals affected with MSH6-related conditions. This variant is not present in population databases (gnomAD no frequency). This sequence change replaces aspartic acid, which is acidic and polar, with asparagine, which is neutral and polar, at codon 936 of the MSH6 protein (p.Asp936Asn).

Ambry Genetics
Classification: Uncertain significance for Hereditary cancer-predisposing syndrome. Last evaluated: 2019-12-12. Review status: criteria provided, single submitter. Criteria: Ambry Variant Classification Scheme 2023. Collection method: clinical testing. Allele origin: germline.
Comment: The p.D936N variant (also known as c.2806G>A), located in coding exon 4 of the MSH6 gene, results from a G to A substitution at nucleotide position 2806. The aspartic acid at codon 936 is replaced by asparagine, an amino acid with highly similar properties. This amino acid position is well conserved in available vertebrate species. In addition, the in silico prediction for this alteration is inconclusive. Since supporting evidence is limited at this time, the clinical significance of this alteration remains unclear.

NM_000179.3(MSH6):c.2806G>A (p.Asp936Asn)

Gene: MSH6 (mutS homolog 6; plus strand). Cytogenetic location: 2p16.3.
Variant type: single nucleotide variant.
Coding change: c.2806G>A on transcript NM_000179.3 (MANE Select); coding-DNA position 2806, G replaced by A.
Protein change: p.Asp936Asn; replaces aspartic acid 936 with asparagine.
Molecular consequence: missense variant.
Genome position (GRCh38, 1-based): chr2:47,800,789, G>A. VCF-style: chr2-47800789-G-A. GRCh37 (hg19) VCF-style: chr2-48027928-G-A.
Other names: c.2416G>A, p.Asp806Asn (NM_001281492.2); c.1900G>A, p.Asp634Asn (NM_001281493.2, NM_001281494.2); short protein forms D936N, D806N, D634N.
Identifiers: ClinVar variation 232656 (VCV000232656.9), dbSNP rs876659904, ClinGen allele CA10578119.